The following is an entry in ClinVar:

ClinVar aggregate classification (germline): Uncertain significance (1 of 4 stars; one submission).

Conditions:
Granulomatous disease, chronic, autosomal recessive, cytochrome b-negative. Also called: GRANULOMATOUS DISEASE, CHRONIC, AUTOSOMAL RECESSIVE, 4; Chronic granulomatous disease, autosomal, due to deficiency of CYBA; CGD DUE TO DEFICIENCY OF THE ALPHA SUBUNIT OF CYTOCHROME b; CGD, AUTOSOMAL RECESSIVE CYTOCHROME b-NEGATIVE; CYBA DEFICIENCY. Identifiers: Orphanet 379, MedGen C1856255, MONDO:0009308, OMIM 233690.

Submission:

Labcorp Genetics (formerly Invitae), Labcorp
Classification: Uncertain significance for Granulomatous disease, chronic, autosomal recessive, cytochrome b-negative. Last evaluated: 2024-06-05. Review status: criteria provided, single submitter. Criteria: Invitae Variant Classification Sherloc (09022015). Collection method: clinical testing. Allele origin: germline.
Comment: This variant, c.4_24del, results in the deletion of 7 amino acid(s) of the CYBA protein (p.Gly2_Met8del), but otherwise preserves the integrity of the reading frame. This variant is present in population databases (rs775237008, gnomAD 0.006%). This variant has been observed in individual(s) with clinical features of chronic granulomatous disease (PMID: 32040803; Invitae). In at least one individual the data is consistent with being in trans (on the opposite chromosome) from a pathogenic variant. Experimental studies and prediction algorithms are not available or were not evaluated, and the functional significance of this variant is currently unknown. In summary, the available evidence is currently insufficient to determine the role of this variant in disease. Therefore, it has been classified as a Variant of Uncertain Significance.

Literature cited by the submitters: PubMed 32040803.

NM_000101.4(CYBA):c.4_24del (p.Gly2_Met8del)

Gene: CYBA (cytochrome b-245 alpha chain; minus strand). Cytogenetic location: 16q24.2.
Variant type: Deletion.
Coding change: c.4_24del on transcript NM_000101.4 (MANE Select); coding-DNA positions 4 to 24, 21 bases deleted (GGGCAGATCGAGTGGGCCATG).
Protein change: p.Gly2_Met8del.
Molecular consequence: initiator codon variant.
Genome position (GRCh38, 1-based): chr16:88,650,990-88,651,010, CATGGCCCACTCGATCTGCCC deleted on the plus strand (GGGCAGATCGAGTGGGCCATG on the coding strand, the reverse complement: CYBA is on the minus strand); deleting any 21 consecutive bases within chr16:88,650,990-88,651,016 gives the same sequence; the c. name uses the placement nearest the transcript's 3' end. VCF-style (leftmost placement, unchanged base first): chr16-88650989-ACATGGCCCACTCGATCTGCCC-A. GRCh37 (hg19) VCF-style: chr16-88717397-ACATGGCCCACTCGATCTGCCC-A.
Identifiers: ClinVar variation 3706988 (VCV003706988.2).